The following is an entry in ClinVar:

NM_152703.5(SAMD9L):c.652A>C (p.Ser218Arg)

Gene: SAMD9L (sterile alpha motif domain containing 9 like; minus strand). Cytogenetic location: 7q21.2.
Variant type: single nucleotide variant.
Coding change: c.652A>C on transcript NM_152703.5 (MANE Select); coding-DNA position 652, A replaced by C.
Protein change: p.Ser218Arg; replaces serine 218 with arginine.
Molecular consequence: missense variant.
Genome position (GRCh38, 1-based): chr7:93,135,320, T>G on the plus strand (A>C on the coding strand, the complement: SAMD9L is on the minus strand). VCF-style: chr7-93135320-T-G. GRCh37 (hg19) VCF-style: chr7-92764633-T-G.
Other names: c.652A>C (NM_152703.2); c.652A>C, p.Ser218Arg (NM_001303496.3, NM_001303497.3, NM_001303498.3 and 5 more transcripts); short protein forms S218R.
Identifiers: ClinVar variation 3004534 (VCV003004534.4), dbSNP rs2535435933, ClinGen allele CA368201857.

ClinVar aggregate classification (germline): Uncertain significance. Review status: criteria provided, multiple submitters, no conflicts (2 of 4 stars). 2 submissions from 2 submitters: Uncertain significance (2). Last evaluated 2025-02-10.

Conditions:
Inborn genetic diseases. Identifiers: MedGen C0950123, MeSH D030342.

Submissions (2):

Ambry Genetics
Classification: Uncertain significance for Inborn genetic diseases. Last evaluated: 2025-02-10. Review status: criteria provided, single submitter. Criteria: Ambry Variant Classification Scheme 2023. Collection method: clinical testing. Allele origin: germline.
Comment: The p.S218R variant (also known as c.652A>C), located in coding exon 1 of the SAMD9L gene, results from an A to C substitution at nucleotide position 652. The serine at codon 218 is replaced by arginine, an amino acid with dissimilar properties. This amino acid position is conserved. In addition, the in silico prediction for this alteration is inconclusive. Based on the available evidence, the clinical significance of this variant remains unclear.

Labcorp Genetics (formerly Invitae), Labcorp
Classification: Uncertain significance. Last evaluated: 2023-10-13. Review status: criteria provided, single submitter. Criteria: Invitae Variant Classification Sherloc (09022015). Collection method: clinical testing. Allele origin: germline.
Comment: This sequence change replaces serine, which is neutral and polar, with arginine, which is basic and polar, at codon 218 of the SAMD9L protein (p.Ser218Arg). This variant is not present in population databases (gnomAD no frequency). This variant has not been reported in the literature in individuals affected with SAMD9L-related conditions. An algorithm developed to predict the effect of missense changes on protein structure and function (PolyPhen-2) suggests that this variant is likely to be disruptive. In summary, the available evidence is currently insufficient to determine the role of this variant in disease. Therefore, it has been classified as a Variant of Uncertain Significance.